The following is an entry in ClinVar:

ClinVar aggregate classification (germline): Conflicting classifications of pathogenicity. Review status: criteria provided, conflicting classifications (1 of 4 stars). 2 submissions from 2 submitters: Uncertain significance (1); Likely benign (1). Last evaluated 2024-02-15.

Conditions:
Bleeding disorder, platelet-type, 13, susceptibility to (BDPLT13). Also called: BLEEDING DISORDER, SUSCEPTIBILITY TO, DUE TO DEFECTIVE PLATELET THROMBOXANE A2 RECEPTOR. Identifiers: MedGen C3279614, MONDO:0800447, OMIM 614009.

Allele frequency attached by ClinVar (database versions not stated): gnomAD 0.00001; TOPMed 0.00001; gnomAD exomes 0.00003; ExAC 0.00005.

Submissions (2):

Labcorp Genetics (formerly Invitae), Labcorp
Classification: Likely benign. Last evaluated: 2024-02-15. Review status: criteria provided, single submitter. Criteria: Invitae Variant Classification Sherloc (09022015). Collection method: clinical testing. Allele origin: germline.

ISTH-SSC Genomics in Thrombosis and Hemostasis, KU Leuven, Center for Molecular and Vascular Biology
Classification: Uncertain significance for Bleeding disorder, platelet-type, 13, susceptibility to. Review status: criteria provided, single submitter. Criteria: ACMG Guidelines, 2015. Collection method: clinical testing. Allele origin: germline. Affected: yes. Observed: 1 compound heterozygote.
Comment: Submitted to GoldVariant by Kathleen Freson, Center for Molecular and Vascular Biology, Leuven, Belgium

NM_001060.6(TBXA2R):c.840G>A (p.Gly280=)

Gene: TBXA2R (thromboxane A2 receptor; minus strand). Cytogenetic location: 19p13.3.
Variant type: single nucleotide variant.
Coding change: c.840G>A on transcript NM_001060.6 (MANE Select); coding-DNA position 840, G replaced by A.
Protein change: p.Gly280=; no amino-acid change (glycine 280 retained).
Molecular consequence: synonymous variant.
Genome position (GRCh38, 1-based): chr19:3,595,880, C>T on the plus strand (G>A on the coding strand, the complement: TBXA2R is on the minus strand). VCF-style: chr19-3595880-C-T. GRCh37 (hg19) VCF-style: chr19-3595878-C-T.
Other names: c.840G>A, p.Gly280= (NM_201636.3).
Identifiers: ClinVar variation 1703799 (VCV001703799.4), dbSNP rs764937305, ClinGen allele CA9080760.
Genomic context (GRCh38, chr19:3,595,880, plus strand): 5'-GTTCCAGGTGGCCACGCGCAAGTAGATGAGCAGCTCCTTCTCCGTGGTGCGGGACAGCTG[C>T]CCGGCGGGGCTCATGGCAGGCGGGTTTCGCAGCACTGTCTGGGCGATGAAGACCTGCAAA-3'
Protein context (NP_001051.1, residues 270-290): LRNPPAMSPA[Gly280=]QLSRTTEKEL